The following is an entry in ClinVar:

ClinVar aggregate classification (germline): Uncertain significance. Review status: criteria provided, multiple submitters, no conflicts (2 of 4 stars). 2 submissions from 2 submitters: Uncertain significance (2). Last evaluated 2025-04-25.

Conditions:
Pyruvate dehydrogenase E2 deficiency (PDHDD). Also called: Dihydrolipoamide Acetyltransferase (E2) Deficiency; LACTIC ACIDEMIA DUE TO DEFECT OF E2 LIPOYL TRANSACETYLASE OF THE PYRUVATE DEHYDROGENASE COMPLEX. Identifiers: Orphanet 765, Orphanet 79244, MedGen C1855565, MONDO:0009502, OMIM 245348.
Inborn genetic diseases. Identifiers: MedGen C0950123, MeSH D030342.

Allele frequency attached by ClinVar (database versions not stated): gnomAD exomes below 0.00001.
gnomAD v4.1: 2 of 1,614,182 alleles (0.00012%); highest among the groups gnomAD compares: Non-Finnish European, 0.00017%; no homozygotes.

Submissions (2):

Ambry Genetics
Classification: Uncertain significance for Inborn genetic diseases. Last evaluated: 2025-04-25. Review status: criteria provided, single submitter. Criteria: Ambry Variant Classification Scheme 2023. Collection method: clinical testing. Allele origin: germline.

Labcorp Genetics (formerly Invitae), Labcorp
Classification: Uncertain significance for Pyruvate dehydrogenase E2 deficiency. Last evaluated: 2021-09-06. Review status: criteria provided, single submitter. Criteria: Invitae Variant Classification Sherloc (09022015). Collection method: clinical testing. Allele origin: germline.
Comment: In summary, the available evidence is currently insufficient to determine the role of this variant in disease. Therefore, it has been classified as a Variant of Uncertain Significance. Advanced modeling of protein sequence and biophysical properties (such as structural, functional, and spatial information, amino acid conservation, physicochemical variation, residue mobility, and thermodynamic stability) performed at Invitae indicates that this missense variant is not expected to disrupt DLAT protein function. This sequence change replaces proline with alanine at codon 193 of the DLAT protein (p.Pro193Ala). The proline residue is moderately conserved and there is a small physicochemical difference between proline and alanine. This variant is not present in population databases (ExAC no frequency). This variant has not been reported in the literature in individuals affected with DLAT-related conditions.

NM_001931.5(DLAT):c.577C>G (p.Pro193Ala)

Gene: DLAT (dihydrolipoamide S-acetyltransferase; plus strand). Cytogenetic location: 11q23.1.
Variant type: single nucleotide variant.
Coding change: c.577C>G on transcript NM_001931.5 (MANE Select); coding-DNA position 577, C replaced by G.
Protein change: p.Pro193Ala; replaces proline 193 with alanine.
Molecular consequence: missense variant. On other transcripts: non-coding transcript variant (1), intron variant (2).
Genome position (GRCh38, 1-based): chr11:112,028,862, C>G. VCF-style: chr11-112028862-C-G. GRCh37 (hg19) VCF-style: chr11-111899586-C-G.
Other names: c.577C>G (NM_001931.4); c.577C>G, p.Pro193Ala (NM_001372031.1, NM_001372032.1, NM_001372033.1 and 3 more transcripts); c.544C>G, p.Pro182Ala (NM_001372034.1); c.451C>G, p.Pro151Ala (NM_001372036.1); c.409C>G, p.Pro137Ala (NM_001372037.1); c.115C>G, p.Pro39Ala (NM_001372042.1); c.381+2563C>G (NM_001372038.1); c.364+2580C>G (NM_001372040.1); short protein forms P151A, P137A, P193A, P39A, P182A.
Identifiers: ClinVar variation 1438339 (VCV001438339.7), dbSNP rs2137699929, ClinGen allele CA382601577.